The following is an entry in ClinVar:

ClinVar aggregate classification (germline): Pathogenic. Review status: reviewed by expert panel (3 of 4 stars). 9 submissions from 9 submitters: Pathogenic (1). 8 of the submissions do not count toward it. Last evaluated 2016-09-08.

Conditions:
Hereditary cancer-predisposing syndrome. Also called: Tumor predisposition; Neoplastic Syndromes, Hereditary; Hereditary Cancer Syndrome; Hereditary neoplastic syndrome. Identifiers: Orphanet 140162, MedGen C0027672, MeSH D009386, MONDO:0015356.
Hereditary breast ovarian cancer syndrome. Also called: Hereditary breast and ovarian cancer syndrome (HBOC); Hereditary breast and ovarian cancer syndrome; Hereditary breast and ovarian cancer; Hereditary breast and/or ovarian cancer syndrome; Breast and ovarian cancer; BRCA1- and BRCA2-Associated Hereditary Breast and Ovarian Cancer. Identifiers: Orphanet 145, MedGen C0677776, MeSH D061325, MONDO:0003582. Disease mechanism: loss of function.
Breast-ovarian cancer, familial, susceptibility to, 1 (BROVCA1). Also called: OVARIAN CANCER, SUSCEPTIBILITY TO; BRCA1 Hereditary Breast and Ovarian Cancer. Identifiers: Orphanet 145, MedGen C2676676, MONDO:0011450, OMIM 604370. Disease mechanism: loss of function.

Submissions (9):

Evidence-based Network for the Interpretation of Germline Mutant Alleles (ENIGMA)
Classification: Pathogenic for Breast-ovarian cancer, familial, susceptibility to, 1. Last evaluated: 2016-09-08. Review status: reviewed by expert panel. Criteria: ENIGMA BRCA1/2 Classification Criteria (2015). Collection method: curation. Allele origin: germline.
Comment: Variant allele predicted to encode a truncated non-functional protein.

Labcorp Genetics (formerly Invitae), Labcorp
Classification: Pathogenic for Hereditary breast ovarian cancer syndrome. Last evaluated: 2022-08-09. Review status: criteria provided, single submitter. Criteria: Invitae Variant Classification Sherloc (09022015). Collection method: clinical testing. Allele origin: germline. Not counted in ClinVar's aggregate classification.
Comment: This variant is not present in population databases (gnomAD no frequency). For these reasons, this variant has been classified as Pathogenic. ClinVar contains an entry for this variant (Variation ID: 54161). This variant is also known as c.1323G>T. This premature translational stop signal has been observed in individual(s) with breast cancer (PMID: 29446198). This sequence change creates a premature translational stop signal (p.Glu402*) in the BRCA1 gene. It is expected to result in an absent or disrupted protein product. Loss-of-function variants in BRCA1 are known to be pathogenic (PMID: 20104584).

Ambry Genetics
Classification: Pathogenic for Hereditary cancer-predisposing syndrome. Last evaluated: 2019-08-21. Review status: criteria provided, single submitter. Criteria: Ambry Variant Classification Scheme 2023. Collection method: clinical testing. Allele origin: germline. Not counted in ClinVar's aggregate classification.
Comment: The p.E402* pathogenic mutation (also known as c.1204G>T), located in coding exon 9 of the BRCA1 gene, results from a G to T substitution at nucleotide position 1204. This changes the amino acid from a glutamic acid to a stop codon within coding exon 9. This alteration was identified in several families in a large, worldwide study of BRCA1/2 mutation positive families (Rebbeck TR et al. Hum. Mutat., 2018 05;39:593-620). In one cohort, this alteration was reported in 2/402 Malaysian women with early onset or hereditary breast cancer (Kang PC et al. Breast Cancer Res. Treat. 2014 Apr;144(3):635-42). In addition to the information presented in the literature, this alteration is expected to result in loss of function by premature protein truncation or nonsense-mediated mRNA decay. As such, this alteration is interpreted as a disease-causing mutation.

Consortium of Investigators of Modifiers of BRCA1/2 (CIMBA), c/o University of Cambridge
Classification: Pathogenic for Breast-ovarian cancer, familial, susceptibility to, 1. Last evaluated: 2015-10-02. Review status: criteria provided, single submitter. Criteria: CIMBA Mutation Classification guidelines May 2016. Collection method: clinical testing. Allele origin: germline. Not counted in ClinVar's aggregate classification.

Breast Cancer Information Core (BIC) (BRCA1)
No classification provided. Condition: Breast-ovarian cancer, familial 1. Review status: no classification provided. Collection method: clinical testing. Allele origin: germline. Affected: yes. Observed: 3 variant alleles. Not counted in ClinVar's aggregate classification.

Clinical Genetics DNA and cytogenetics Diagnostics Lab, Erasmus MC, Erasmus Medical Center
Classification: Pathogenic. Review status: no assertion criteria provided. Collection method: clinical testing. Allele origin: germline. Affected: yes. Study: VKGL Data-share Consensus. Not counted in ClinVar's aggregate classification.

Clinical Genetics Laboratory, Department of Pathology, Netherlands Cancer Institute
Classification: Pathogenic. Review status: no assertion criteria provided. Collection method: clinical testing. Allele origin: germline. Affected: yes. Study: VKGL Data-share Consensus. Not counted in ClinVar's aggregate classification.

Diagnostic Laboratory, Department of Genetics, University Medical Center Groningen
Classification: Pathogenic for Breast-ovarian cancer, familial, susceptibility to, 1. Review status: no assertion criteria provided. Collection method: clinical testing. Allele origin: germline. Affected: yes. Study: VKGL Data-share Consensus. Not counted in ClinVar's aggregate classification.

Joint Genome Diagnostic Labs from Nijmegen and Maastricht, Radboudumc and MUMC+
Classification: Pathogenic. Review status: no assertion criteria provided. Collection method: clinical testing. Allele origin: germline. Affected: yes. Study: VKGL Data-share Consensus. Not counted in ClinVar's aggregate classification.

Literature cited by the submitters: PubMed 29446198 (cited by Labcorp Genetics (formerly Invitae), Labcorp and Ambry Genetics); PubMed 20104584 (cited by Labcorp Genetics (formerly Invitae), Labcorp); PubMed 18627636 (cited by Ambry Genetics and Breast Cancer Information Core (BIC) (BRCA1)); PubMed 24578176 (cited by Ambry Genetics); PubMed 25525159 (cited by Ambry Genetics); PubMed 26778126 (cited by Ambry Genetics); PubMed 28993434 (cited by Ambry Genetics).

NM_007294.4(BRCA1):c.1204G>T (p.Glu402Ter)

Gene: BRCA1 (BRCA1 DNA repair associated; minus strand). Cytogenetic location: 17q21.31.
Variant type: single nucleotide variant.
Coding change: c.1204G>T on transcript NM_007294.4 (MANE Select); coding-DNA position 1204, G replaced by T.
Protein change: p.Glu402Ter; replaces glutamic acid 402 with a stop codon.
Molecular consequence: nonsense. On other transcripts: intron variant (137).
Genome position (GRCh38, 1-based): chr17:43,094,327, C>A on the plus strand (G>T on the coding strand, the complement: BRCA1 is on the minus strand). VCF-style: chr17-43094327-C-A. GRCh37 (hg19) VCF-style: chr17-41246344-C-A.
Other names: c.1063G>T, p.Glu355Ter (NM_001407729.1, NM_001407730.1, NM_001407731.1 and 29 more transcripts); c.1060G>T, p.Glu354Ter (NM_001407740.1, NM_001407741.1, NM_001407742.1 and 20 more transcripts); c.991G>T, p.Glu331Ter (NM_001407853.1, NM_001407894.1, NM_001407895.1 and 9 more transcripts); c.1204G>T, p.Glu402Ter (NM_001407854.1, NM_001407858.1, NM_001407859.1 and 30 more transcripts); c.1201G>T, p.Glu401Ter (NM_001407860.1, NM_001407861.1, NM_001407587.1 and 22 more transcripts); c.1003G>T, p.Glu335Ter (NM_001407862.1); c.1081G>T, p.Glu361Ter (NM_001407863.1, NM_001407919.1, NM_001407937.1 and 19 more transcripts); c.1000G>T, p.Glu334Ter (NM_001407874.1, NM_001407875.1); and 40 more; short protein forms E402*, E355*, E274*, E291*, E376*, E314*, E331*, E334*.
Identifiers: ClinVar variation 54161 (VCV000054161.20), dbSNP rs273897655, ClinGen allele CA000794.